The following is an entry in ClinVar:

NM_020461.4(TUBGCP6):c.3166G>A (p.Val1056Met)

Gene: TUBGCP6 (tubulin gamma complex component 6; minus strand). Cytogenetic location: 22q13.33.
Variant type: single nucleotide variant.
Coding change: c.3166G>A on transcript NM_020461.4 (MANE Select); coding-DNA position 3166, G replaced by A.
Protein change: p.Val1056Met; replaces valine 1056 with methionine.
Molecular consequence: missense variant.
Genome position (GRCh38, 1-based): chr22:50,221,193, C>T on the plus strand (G>A on the coding strand, the complement: TUBGCP6 is on the minus strand). VCF-style: chr22-50221193-C-T. GRCh37 (hg19) VCF-style: chr22-50659622-C-T.
Other names: short protein forms V1056M.
Identifiers: ClinVar variation 1423198 (VCV001423198.3), dbSNP rs756840969, ClinGen allele CA10308032.

ClinVar aggregate classification (germline): Uncertain significance (1 of 4 stars; one submission).

Allele frequency attached by ClinVar (database versions not stated): TOPMed below 0.00001.
gnomAD v4.1: 6 of 1,608,360 alleles (0.00037%); highest among the groups gnomAD compares: Admixed American, 0.005%; no homozygotes.

Submission:

Labcorp Genetics (formerly Invitae), Labcorp
Classification: Uncertain significance. Last evaluated: 2022-07-11. Review status: criteria provided, single submitter. Criteria: Invitae Variant Classification Sherloc (09022015). Collection method: clinical testing. Allele origin: germline.
Comment: This sequence change replaces valine, which is neutral and non-polar, with methionine, which is neutral and non-polar, at codon 1056 of the TUBGCP6 protein (p.Val1056Met). This variant is present in population databases (rs756840969, gnomAD 0.009%). This variant has not been reported in the literature in individuals affected with TUBGCP6-related conditions. ClinVar contains an entry for this variant (Variation ID: 1423198). Algorithms developed to predict the effect of missense changes on protein structure and function are either unavailable or do not agree on the potential impact of this missense change (SIFT: "Tolerated"; PolyPhen-2: "Possibly Damaging"; Align-GVGD: "Class C0"). In summary, the available evidence is currently insufficient to determine the role of this variant in disease. Therefore, it has been classified as a Variant of Uncertain Significance.